The following is an entry in ClinVar:

NM_000186.4(CFH):c.3102T>C (p.Asn1034=)

Gene: CFH (complement factor H; plus strand). Cytogenetic location: 1q31.3.
Variant type: single nucleotide variant.
Coding change: c.3102T>C on transcript NM_000186.4 (MANE Select); coding-DNA position 3102, T replaced by C.
Protein change: p.Asn1034=; no amino-acid change (asparagine 1034 retained).
Molecular consequence: synonymous variant.
Genome position (GRCh38, 1-based): chr1:196,742,020, T>C. VCF-style: chr1-196742020-T-C. GRCh37 (hg19) VCF-style: chr1-196711150-T-C.
Other names: p.Asn1034=.
Identifiers: ClinVar variation 294516 (VCV000294516.24), dbSNP rs34594237, ClinGen allele CA1305824.

ClinVar aggregate classification (germline): Benign/Likely benign. Review status: criteria provided, multiple submitters, no conflicts (2 of 4 stars). 15 submissions from 9 submitters: Benign (9); Likely benign (5). 1 of the submissions does not count toward it. Last evaluated 2026-01-25.

Conditions:
Basal laminar drusen. Also called: DRUSEN OF BRUCH MEMBRANE; DRUSEN, CUTICULAR; DRUSEN, EARLY ADULT-ONSET, GROUPED. Identifiers: Orphanet 75376, MedGen C0730295, MONDO:0007472, OMIM 126700.
CFH-related disorder. Also called: CFH-related condition; CFH-related disorders.
Age related macular degeneration 4. Identifiers: MedGen C1853147, MONDO:0012540, OMIM 610698.
Hemolytic uremic syndrome, atypical, susceptibility to, 1. Also called: AHUS, SUSCEPTIBILITY TO, 1. Identifiers: Orphanet 2134, Orphanet 90038, MedGen C2749604, MONDO:0009335, OMIM 235400. Disease mechanism: Other.
Factor H deficiency (CFHD). Also called: COMPLEMENT FACTOR H DEFICIENCY; CFH DEFICIENCY. Identifiers: Orphanet 200421, MedGen C0398777, MONDO:0012350, OMIM 609814.
CFH-Related Dense Deposit Disease / Membranoproliferative Glomerulonephritis Type II. Identifiers: MedGen CN071292.

Allele frequency attached by ClinVar (database versions not stated): gnomAD exomes 0.00172; ExAC 0.00208; 1000 Genomes Project 0.00719; gnomAD 0.00750; 1000 Genomes Project 30x 0.00781; TOPMed 0.00785; ESP Exome Variant Server 0.00838.
gnomAD v4.1: 2,010 of 1,614,174 alleles (0.12%); highest among the groups gnomAD compares: African/African-American, 2.4%; 28 homozygotes.

Submissions (15):

Labcorp Genetics (formerly Invitae), Labcorp
Classification: Benign. Last evaluated: 2026-01-25. Review status: criteria provided, single submitter. Criteria: Invitae Variant Classification Sherloc (09022015). Collection method: clinical testing. Allele origin: germline.

Women's Health and Genetics/Laboratory Corporation of America, LabCorp
Classification: Likely benign. Last evaluated: 2026-01-22. Review status: criteria provided, single submitter. Criteria: LabCorp Variant Classification Summary - May 2015. Collection method: clinical testing. Allele origin: germline.

Mayo Clinic Laboratories, Mayo Clinic
Classification: Likely benign. Last evaluated: 2025-05-13. Review status: criteria provided, single submitter. Criteria: ACMG Guidelines, 2015. Collection method: clinical testing. Allele origin: germline. Observed: 44 variant alleles.
Comment: BS1, BP4, BP7

Blueprint Genetics
Classification: Likely benign. Last evaluated: 2024-10-22. Review status: criteria provided, single submitter. Criteria: ACMG Guidelines, 2015. Collection method: clinical testing. Allele origin: germline.

Genome-Nilou Lab
Classification: Benign for Hemolytic uremic syndrome, atypical, susceptibility to, 1. Last evaluated: 2023-04-11. Review status: criteria provided, single submitter. Criteria: ACMG Guidelines, 2015. Collection method: clinical testing. Allele origin: germline. Affected: no.

Genome-Nilou Lab
Classification: Benign for Age related macular degeneration 4. Last evaluated: 2023-04-11. Review status: criteria provided, single submitter. Criteria: ACMG Guidelines, 2015. Collection method: clinical testing. Allele origin: germline. Affected: no.

Genome-Nilou Lab
Classification: Benign for Basal laminar drusen. Last evaluated: 2023-04-11. Review status: criteria provided, single submitter. Criteria: ACMG Guidelines, 2015. Collection method: clinical testing. Allele origin: germline. Affected: no.

Genome-Nilou Lab
Classification: Benign for Factor H deficiency. Last evaluated: 2023-04-11. Review status: criteria provided, single submitter. Criteria: ACMG Guidelines, 2015. Collection method: clinical testing. Allele origin: germline. Affected: no.

Genetic Services Laboratory, University of Chicago
Classification: Benign. Last evaluated: 2019-05-14. Review status: criteria provided, single submitter. Criteria: ACMG Guidelines, 2015. Collection method: clinical testing. Allele origin: germline. Affected: no.

Illumina Laboratory Services, Illumina
Classification: Likely benign for Basal laminar drusen. Last evaluated: 2018-01-13. Review status: criteria provided, single submitter. Criteria: ICSL Variant Classification Criteria 13 December 2019. Collection method: clinical testing. Allele origin: germline.
Comment: This variant was observed in the ICSL laboratory as part of a predisposition screen in an ostensibly healthy population. It had not been previously curated by ICSL or reported in the Human Gene Mutation Database (HGMD: prior to June 1st, 2018), and was therefore a candidate for classification through an automated scoring system. Utilizing variant allele frequency, disease prevalence and penetrance estimates, and inheritance mode, an automated score was calculated to assess if this variant is too frequent to cause the disease. Based on the score and internal cut-off values, a variant classified as likely benign is not then subjected to further curation. The score for this variant resulted in a classification of likely benign for this disease.

Illumina Laboratory Services, Illumina
Classification: Benign for Hemolytic uremic syndrome, atypical, susceptibility to, 1. Last evaluated: 2018-01-13. Review status: criteria provided, single submitter. Criteria: ICSL Variant Classification Criteria 13 December 2019. Collection method: clinical testing. Allele origin: germline.
Comment: This variant was observed in the ICSL laboratory as part of a predisposition screen in an ostensibly healthy population. It had not been previously curated by ICSL or reported in the Human Gene Mutation Database (HGMD: prior to June 1st, 2018), and was therefore a candidate for classification through an automated scoring system. Utilizing variant allele frequency, disease prevalence and penetrance estimates, and inheritance mode, an automated score was calculated to assess if this variant is too frequent to cause the disease. Based on the score and internal cut-off values, a variant classified as benign is not then subjected to further curation. The score for this variant resulted in a classification of benign for this disease.

Illumina Laboratory Services, Illumina
Classification: Benign for Age related macular degeneration 4. Last evaluated: 2018-01-13. Review status: criteria provided, single submitter. Criteria: ICSL Variant Classification Criteria 13 December 2019. Collection method: clinical testing. Allele origin: germline.
Comment: the same text as in the submission from Illumina Laboratory Services, Illumina above.

Illumina Laboratory Services, Illumina
Classification: Benign for Membranoproliferative glomerulonephritis with complement factor h deficiency. Last evaluated: 2018-01-13. Review status: criteria provided, single submitter. Criteria: ICSL Variant Classification Criteria 13 December 2019. Collection method: clinical testing. Allele origin: germline.
Comment: the same text as in the submission from Illumina Laboratory Services, Illumina above.

Breakthrough Genomics
Classification: Likely benign. Review status: criteria provided, single submitter. Criteria: ACMG Guidelines, 2015. Collection method: not provided. Allele origin: germline. Inheritance: Autosomal recessive inheritance. Affected: yes.

PreventionGenetics, part of Exact Sciences
Classification: Benign for CFH-related condition. Last evaluated: 2019-09-11. Review status: no assertion criteria provided. Collection method: clinical testing. Allele origin: germline. Not counted in ClinVar's aggregate classification.
Comment: This variant is classified as benign based on ACMG/AMP sequence variant interpretation guidelines (Richards et al. 2015 PMID: 25741868, with internal and published modifications).